The following is an entry in ClinVar:

ClinVar aggregate classification (germline): Uncertain significance (1 of 4 stars; one submission).

Conditions:
Inborn genetic diseases. Identifiers: MedGen C0950123, MeSH D030342.

Submission:

Ambry Genetics
Classification: Uncertain significance for Inborn genetic diseases. Last evaluated: 2026-01-19. Review status: criteria provided, single submitter. Criteria: Ambry Variant Classification Scheme 2023. Collection method: clinical testing. Allele origin: germline.
Comment: The p.H1214Y variant (also known as c.3640C>T), located in coding exon 17 of the MECOM gene, results from a C to T substitution at nucleotide position 3640. The histidine at codon 1214 is replaced by tyrosine, an amino acid with similar properties. This amino acid position is conserved. In addition, the in silico prediction for this alteration is inconclusive. Based on the available evidence, the clinical significance of this variant remains unclear.

NM_004991.4(MECOM):c.3640C>T (p.His1214Tyr)

Gene: MECOM (MDS1 and EVI1 complex locus; minus strand). Cytogenetic location: 3q26.2.
Variant type: single nucleotide variant.
Coding change: c.3640C>T on transcript NM_004991.4 (MANE Select); coding-DNA position 3640, C replaced by T.
Protein change: p.His1214Tyr; replaces histidine 1214 with tyrosine.
Molecular consequence: missense variant.
Genome position (GRCh38, 1-based): chr3:169,084,989, G>A on the plus strand (C>T on the coding strand, the complement: MECOM is on the minus strand). VCF-style: chr3-169084989-G-A. GRCh37 (hg19) VCF-style: chr3-168802777-G-A.
Other names: c.3271C>T, p.His1091Tyr (NM_001105077.4); c.3076C>T, p.His1026Tyr (NM_001105078.4, NM_001205194.2, NM_001366469.2 and 1 more transcripts); c.3052C>T, p.His1018Tyr (NM_001163999.2, NM_001366470.2); c.3049C>T, p.His1017Tyr (NM_001164000.2, NM_001366471.2, NM_001366472.2); c.3613C>T, p.His1205Tyr (NM_001366466.2); c.3079C>T, p.His1027Tyr (NM_001366467.2, NM_001366468.2); c.2641C>T, p.His881Tyr (NM_001366473.2); c.2077C>T, p.His693Tyr (NM_001366474.2); short protein forms H1091Y, H1205Y, H693Y, H1026Y, H881Y, H1017Y, H1018Y, H1214Y.
Identifiers: ClinVar variation 4824293 (VCV004824293.1).